The following is an entry in ClinVar:

ClinVar aggregate classification (germline): Likely benign. Review status: criteria provided, multiple submitters, no conflicts (2 of 4 stars). 2 submissions from 2 submitters: Likely benign (2). Last evaluated 2022-07-01.

Conditions:
Combined malonic and methylmalonic acidemia. Identifiers: Orphanet 289504, MedGen C3280314, MONDO:0013661, OMIM 614265.

Allele frequency attached by ClinVar (database versions not stated): gnomAD exomes below 0.00001; gnomAD 0.00001; TOPMed 0.00001.

Submissions (2):

CeGaT Center for Human Genetics Tuebingen
Classification: Likely benign. Last evaluated: 2022-07-01. Review status: criteria provided, single submitter. Criteria: CeGaT Center For Human Genetics Tuebingen Variant Classification Criteria Version 2. Collection method: clinical testing. Allele origin: germline. Affected: yes. Observed: 1 variant allele.
Comment: ACSF3: BP4, BP7

Labcorp Genetics (formerly Invitae), Labcorp
Classification: Likely benign for Combined malonic and methylmalonic acidemia. Last evaluated: 2022-02-13. Review status: criteria provided, single submitter. Criteria: Invitae Variant Classification Sherloc (09022015). Collection method: clinical testing. Allele origin: germline.

NM_001243279.3(ACSF3):c.36G>T (p.Leu12=)

Gene: ACSF3 (acyl-CoA synthetase family member 3; plus strand). Cytogenetic location: 16q24.3.
Variant type: single nucleotide variant.
Coding change: c.36G>T on transcript NM_001243279.3 (MANE Select); coding-DNA position 36, G replaced by T.
Protein change: p.Leu12=; no amino-acid change (leucine 12 retained).
Molecular consequence: synonymous variant. On other transcripts: non-coding transcript variant (3), intron variant (1).
Genome position (GRCh38, 1-based): chr16:89,100,717, G>T. VCF-style: chr16-89100717-G-T. GRCh37 (hg19) VCF-style: chr16-89167125-G-T.
Other names: c.36G>T, p.Leu12= (NM_001127214.4, NM_174917.5); c.-129-1887G>T (NM_001284316.2).
Identifiers: ClinVar variation 2097426 (VCV002097426.28), dbSNP rs1278089561, ClinGen allele CA497369895.